The following is an entry in ClinVar:

NM_000179.3(MSH6):c.2347T>A (p.Cys783Ser)

Gene: MSH6 (mutS homolog 6; plus strand). Cytogenetic location: 2p16.3.
Variant type: single nucleotide variant.
Coding change: c.2347T>A on transcript NM_000179.3 (MANE Select); coding-DNA position 2347, T replaced by A.
Protein change: p.Cys783Ser; replaces cysteine 783 with serine.
Molecular consequence: missense variant.
Genome position (GRCh38, 1-based): chr2:47,800,330, T>A. VCF-style: chr2-47800330-T-A. GRCh37 (hg19) VCF-style: chr2-48027469-T-A.
Other names: c.1957T>A, p.Cys653Ser (NM_001281492.2); c.1441T>A, p.Cys481Ser (NM_001281493.2, NM_001281494.2); short protein forms C783S, C481S, C653S.
Identifiers: ClinVar variation 233180 (VCV000233180.36), dbSNP rs373721483, ClinGen allele CA068851.

ClinVar aggregate classification (germline): Conflicting classifications of pathogenicity. Review status: criteria provided, conflicting classifications (1 of 4 stars). 11 submissions from 11 submitters: Uncertain significance (9); Likely benign (1). 1 of the submissions does not count toward it. Last evaluated 2025-12-07.

Conditions:
Hereditary cancer-predisposing syndrome. Also called: Neoplastic Syndromes, Hereditary; Tumor predisposition; Hereditary Cancer Syndrome; Hereditary neoplastic syndrome. Identifiers: Orphanet 140162, MedGen C0027672, MeSH D009386, MONDO:0015356.
Endometrial carcinoma. Also called: Endometrial carcinoma, somatic. Identifiers: MedGen C0476089, MONDO:0002447, OMIM 608089, HP:0012114.
MSH6-related disorder. Also called: MSH6-related condition; MSH6-Related disorders.
Lynch syndrome 5 (LYNCH5). Also called: Colorectal cancer, hereditary nonpolyposis, type 5; Hereditary non-polyposis colorectal cancer, type 5. Identifiers: Orphanet 144, MedGen C1833477, MONDO:0013710, OMIM 614350. Disease mechanism: loss of function.
Hereditary nonpolyposis colorectal neoplasms. Identifiers: MedGen C0009405, MeSH D003123.
Lynch syndrome. Identifiers: Orphanet 144, MedGen C4552100, MONDO:0005835. Disease mechanism: loss of function.

Allele frequency attached by ClinVar (database versions not stated): gnomAD exomes below 0.00001; ExAC 0.00002; gnomAD 0.00005; TOPMed 0.00006; ESP Exome Variant Server 0.00015.

Submissions (11):

Labcorp Genetics (formerly Invitae), Labcorp
Classification: Likely benign for Hereditary nonpolyposis colorectal neoplasms. Last evaluated: 2025-12-07. Review status: criteria provided, single submitter. Criteria: Invitae Variant Classification Sherloc (09022015). Collection method: clinical testing. Allele origin: germline.

Color Diagnostics, LLC DBA Color Health
Classification: Uncertain significance for Hereditary cancer-predisposing syndrome. Last evaluated: 2025-11-11. Review status: criteria provided, single submitter. Criteria: ACMG Guidelines, 2015. Collection method: clinical testing. Allele origin: germline.
Comment: This missense variant replaces cysteine with serine at codon 783 of the MSH6 protein. Computational prediction suggests that this variant may have deleterious impact on protein structure and function. To our knowledge, functional studies have not been reported for this variant. This variant has been reported in an individual affected with early-onset colorectal cancer (PMID: 37965459). This variant has been identified in 9/1614072 chromosomes in the general population by the Genome Aggregation Database (gnomAD). The available evidence is insufficient to determine the role of this variant in disease conclusively. Therefore, this variant is classified as a Variant of Uncertain Significance.

GeneDx
Classification: Uncertain significance. Last evaluated: 2025-02-05. Review status: criteria provided, single submitter. Criteria: GeneDx Variant Classification Process June 2021. Collection method: clinical testing. Allele origin: germline. Affected: yes.
Comment: Not observed at significant frequency in large population cohorts (gnomAD); In silico analysis supports that this missense variant has a deleterious effect on protein structure/function; This variant is associated with the following publications: (PMID: 23621914, 35264596, 17531815, 21120944, 35039564, 32832836, 37965459)

Ambry Genetics
Classification: Uncertain significance for Hereditary cancer-predisposing syndrome. Last evaluated: 2024-08-30. Review status: criteria provided, single submitter. Criteria: Ambry Variant Classification Scheme 2023. Collection method: clinical testing. Allele origin: germline.
Comment: The p.C783S variant (also known as c.2347T>A), located in coding exon 4 of the MSH6 gene, results from a T to A substitution at nucleotide position 2347. The cysteine at codon 783 is replaced by serine, an amino acid with dissimilar properties. This alteration has been identified in prostate cancer, breast cancer and colorectal cancer cohorts (Matejcic M et al. JCO Precis Oncol, 2020 Jan;4:32-43; Guindalini RSC et al. Sci Rep, 2022 Mar;12:4190; Yildiz S et al. Front Oncol, 2023 Oct;13:1253867). This amino acid position is highly conserved in available vertebrate species. In addition, this alteration is predicted to be deleterious by in silico analysis. Based on the available evidence, the clinical significance of this variant remains unclear.

All of Us Research Program, National Institutes of Health
Classification: Uncertain significance for Lynch syndrome. Last evaluated: 2024-05-30. Review status: criteria provided, single submitter. Criteria: ACMG Guidelines, 2015. Collection method: clinical testing. Allele origin: germline. Inheritance: Autosomal dominant inheritance. Observed: 4 variant alleles, 4 heterozygotes.
Comment: This missense variant replaces cysteine with serine at codon 783 of the MSH6 protein. Computational prediction suggests that this variant may have deleterious impact on protein structure and function (internally defined REVEL score threshold >= 0.7, PMID: 27666373). To our knowledge, functional studies have not been reported for this variant. This variant has been reported in an individual affected with breast cancer (PMID: 35039564), as well as in a cohort of individuals affected with early-onset colorectal cancer (PMID: 37965459). This variant has been identified in 2/282480 chromosomes in the general population by the Genome Aggregation Database (gnomAD). The available evidence is insufficient to determine the role of this variant in disease conclusively. Therefore, this variant is classified as a Variant of Uncertain Significance.

This study involves interpretation of variants in research participants for the purpose of population health screening. Participant phenotype was not available at the time of variant classification. Additional details can be found in publication PMID: 35346344, PMCID: PMC8962531

Baylor Genetics
Classification: Uncertain significance for Endometrial carcinoma. Last evaluated: 2024-03-01. Review status: criteria provided, single submitter. Criteria: ACMG Guidelines, 2015. Collection method: clinical testing. Allele origin: unknown.

Quest Diagnostics Nichols Institute San Juan Capistrano
Classification: Uncertain significance. Last evaluated: 2024-02-27. Review status: criteria provided, single submitter. Criteria: Quest Diagnostics criteria. Collection method: clinical testing. Allele origin: unknown.
Comment: The MSH6 c.2347T>A (p.Cys783Ser) variant has been reported in individuals with breast cancer (PMIDs: 35039564 (2022), 35264596 (2022)) and colorectal cancer (PMID: 37965459 (2023)). The frequency of this variant in the general population, 0.0000071 (2/282480 chromosomes), is uninformative in assessment of its pathogenicity. Analysis of this variant using bioinformatics tools for the prediction of the effect of amino acid changes on protein structure and function yielded predictions that this variant is damaging. Based on the available information, we are unable to determine the clinical significance of this variant.

Sema4
Classification: Uncertain significance for Hereditary cancer-predisposing syndrome. Last evaluated: 2022-02-19. Review status: criteria provided, single submitter. Criteria: Sema4 Curation Guidelines. Collection method: curation. Allele origin: germline.
Comment: The MSH6 c.2347T>A (p.C783S) variant has been reported in heterozygosity in at least one individual with breast cancer (PMID: 35039564). It was observed in 2/24970 chromosomes of the African/African American subpopulation in the large and broad cohorts of the Genome Aggregation Database (PMID: 32461654). The variant has been reported in ClinVar (Variation ID 233180). In silico tools suggest the impact of the variant on protein function is deleterious, though these predictions have not been confirmed by functional studies. The evidence is insufficient to meet ACMG/AMP criteria for classifying the variant as benign or pathogenic. Thus, the clinical significance of this variant is currently uncertain.

St. Jude Molecular Pathology, St. Jude Children's Research Hospital
Classification: Uncertain significance for Lynch syndrome 5. Last evaluated: 2021-12-01. Review status: criteria provided, single submitter. Criteria: St. Jude Assertion Criteria 2020. Collection method: clinical testing. Allele origin: germline.
Comment: The MSH6 c.2347T>A (p.Cys783Ser) missense change has a maximum subpopulation frequency of 0.0080% in gnomAD v2.1.1 (PM2_supporting). Seven of seven in silico tools predict a deleterious effect of this variant on protein function (PP3), but to our knowledge these predictions have not been confirmed by functional assays. To our knowledge, this variant has not been reported in individuals with Lynch syndrome or CMMRD. In summary, this variant meets criteria to be classified as of uncertain significance based on the ACMG/AMP criteria: PM2_supporting, PP3.

Mendelics
Classification: Uncertain significance for Lynch syndrome. Last evaluated: 2018-07-02. Review status: criteria provided, single submitter. Criteria: Mendelics Assertion Criteria 2017. Collection method: clinical testing. Allele origin: unknown.

PreventionGenetics, part of Exact Sciences
Classification: Uncertain significance for MSH6-related condition. Last evaluated: 2023-10-28. Review status: no assertion criteria provided. Collection method: clinical testing. Allele origin: germline. Not counted in ClinVar's aggregate classification.
Comment: The MSH6 c.2347T>A variant is predicted to result in the amino acid substitution p.Cys783Ser. This variant has been reported in two individuals with breast cancer and classified as a variant of uncertain significance in both studies (Eygelaar et al. 2022. PubMed ID: 35039564; Guindalini et al. 2022. PubMed ID: 35264596). This variant is reported in 0.0080% of alleles in individuals of African descent in gnomAD. It is interpreted as uncertain significance by the vast majority of submitters in ClinVar. At this time, the clinical significance of this variant is uncertain due to the absence of conclusive functional and genetic evidence.

Literature cited by the submitters: PubMed 37965459 (cited by 4 submitters); PubMed 32832836 (cited by Ambry Genetics and Quest Diagnostics Nichols Institute San Juan Capistrano); PubMed 35264596 (cited by Ambry Genetics and Quest Diagnostics Nichols Institute San Juan Capistrano); PubMed 35039564 (cited by 3 submitters); PubMed 23621914 (cited by Quest Diagnostics Nichols Institute San Juan Capistrano).